The following is an entry in ClinVar:

ClinVar aggregate classification (germline): Likely benign (0 of 4 stars; one submission).

Conditions:
INPP5B-related disorder. Also called: INPP5B-related condition.

Allele frequency attached by ClinVar (database versions not stated): 1000 Genomes Project 30x 0.00047; 1000 Genomes Project 0.00060; ESP Exome Variant Server 0.00170; TOPMed 0.00209.
gnomAD v4.1: 5,057 of 1,613,862 alleles (0.31%); highest among the groups gnomAD compares: Non-Finnish European, 0.41%; 5 homozygotes.

Submission:

PreventionGenetics, part of Exact Sciences
Classification: Likely benign for INPP5B-related condition. Last evaluated: 2020-03-04. Review status: no assertion criteria provided. Collection method: clinical testing. Allele origin: germline.
Comment: This variant is classified as likely benign based on ACMG/AMP sequence variant interpretation guidelines (Richards et al. 2015 PMID: 25741868, with internal and published modifications).

NM_005540.3(INPP5B):c.1674C>T (p.Ile558=)

Gene: INPP5B (inositol polyphosphate-5-phosphatase B; minus strand). Cytogenetic location: 1p34.3.
Variant type: single nucleotide variant.
Coding change: c.1674C>T on transcript NM_005540.3 (MANE Select); coding-DNA position 1674, C replaced by T.
Protein change: p.Ile558=; no amino-acid change (isoleucine 558 retained).
Molecular consequence: synonymous variant. On other transcripts: non-coding transcript variant (4).
Genome position (GRCh38, 1-based): chr1:37,878,191, G>A on the plus strand (C>T on the coding strand, the complement: INPP5B is on the minus strand). VCF-style: chr1-37878191-G-A. GRCh37 (hg19) VCF-style: chr1-38343863-G-A.
Other names: c.1182C>T, p.Ile394= (NM_001297434.2); c.1014C>T, p.Ile338= (NM_001350227.2, NM_001350228.1); c.1674C>T, p.Ile558= (NM_001365820.1); c.1668C>T, p.Ile556= (NM_001365821.1); c.1608C>T, p.Ile536= (NM_001365822.1); c.1479C>T, p.Ile493= (NM_001365823.1, NM_001365824.1); c.1317C>T, p.Ile439= (NM_001365825.1).
Identifiers: ClinVar variation 3034865 (VCV003034865.2), dbSNP rs141357169, ClinGen allele CA775842.